The following is an entry in ClinVar:

ClinVar aggregate classification (germline): Uncertain significance. Review status: criteria provided, multiple submitters, no conflicts (2 of 4 stars). 6 submissions from 6 submitters: Uncertain significance (5). 1 of the submissions does not count toward it. Last evaluated 2025-01-27.

Conditions:
Glycogen storage disease type III (GSD3). Also called: FORBES DISEASE; Cori disease. Identifiers: Orphanet 366, MedGen C0017922, MONDO:0009291, OMIM 232400.
Inborn genetic diseases. Identifiers: MedGen C0950123, MeSH D030342.

Allele frequency attached by ClinVar (database versions not stated): gnomAD exomes below 0.00001 and 0.00002; gnomAD 0.00001; ExAC 0.00002; TOPMed 0.00003.
gnomAD v4.1: 4 of 1,613,910 alleles (0.00025%); highest among the groups gnomAD compares: African/African-American, 0.004%; no homozygotes.

Submissions (6):

Ambry Genetics
Classification: Uncertain significance for Inborn genetic diseases. Last evaluated: 2025-01-27. Review status: criteria provided, single submitter. Criteria: Ambry Variant Classification Scheme 2023. Collection method: clinical testing. Allele origin: germline.

Blueprint Genetics
Classification: Uncertain significance. Last evaluated: 2024-11-04. Review status: criteria provided, single submitter. Criteria: ACMG Guidelines, 2015. Collection method: clinical testing. Allele origin: germline.

Genome-Nilou Lab
Classification: Uncertain significance for Glycogen storage disease type III. Last evaluated: 2023-04-11. Review status: criteria provided, single submitter. Criteria: ACMG Guidelines, 2015. Collection method: clinical testing. Allele origin: germline. Affected: no.

GeneDx
Classification: Uncertain significance. Last evaluated: 2022-12-08. Review status: criteria provided, single submitter. Criteria: GeneDx Variant Classification Process June 2021. Collection method: clinical testing. Allele origin: germline. Affected: yes.
Comment: Not observed at significant frequency in large population cohorts (gnomAD); In silico analysis supports that this missense variant does not alter protein structure/function; Has not been previously published as pathogenic or benign to our knowledge

Labcorp Genetics (formerly Invitae), Labcorp
Classification: Uncertain significance for Glycogen storage disease type III. Last evaluated: 2022-10-17. Review status: criteria provided, single submitter. Criteria: Invitae Variant Classification Sherloc (09022015). Collection method: clinical testing. Allele origin: germline.
Comment: This sequence change replaces lysine, which is basic and polar, with glutamic acid, which is acidic and polar, at codon 1399 of the AGL protein (p.Lys1399Glu). This variant is present in population databases (rs772026557, gnomAD 0.007%). This variant has not been reported in the literature in individuals affected with AGL-related conditions. ClinVar contains an entry for this variant (Variation ID: 571719). Advanced modeling of protein sequence and biophysical properties (such as structural, functional, and spatial information, amino acid conservation, physicochemical variation, residue mobility, and thermodynamic stability) performed at Invitae indicates that this missense variant is not expected to disrupt AGL protein function. In summary, the available evidence is currently insufficient to determine the role of this variant in disease. Therefore, it has been classified as a Variant of Uncertain Significance.

Natera, Inc.
Classification: Uncertain significance for Glycogen storage disease type III. Last evaluated: 2019-10-28. Review status: no assertion criteria provided. Collection method: clinical testing. Allele origin: germline. Not counted in ClinVar's aggregate classification.

NM_000642.3(AGL):c.4195A>G (p.Lys1399Glu)

Gene: AGL (amylo-alpha-1,6-glucosidase and 4-alpha-glucanotransferase; plus strand). Cytogenetic location: 1p21.2.
Variant type: single nucleotide variant.
Coding change: c.4195A>G on transcript NM_000642.3 (MANE Select); coding-DNA position 4195, A replaced by G.
Protein change: p.Lys1399Glu; replaces lysine 1399 with glutamic acid.
Molecular consequence: missense variant.
Genome position (GRCh38, 1-based): chr1:99,915,422, A>G. VCF-style: chr1-99915422-A-G. GRCh37 (hg19) VCF-style: chr1-100380978-A-G.
Other names: c.4195A>G, p.Lys1399Glu (NM_000028.3, NM_000643.3, NM_000644.3 and 1 more transcripts); c.4147A>G, p.Lys1383Glu (NM_000646.3); c.4174A>G, p.Lys1392Glu (NM_001425326.1); c.3994A>G, p.Lys1332Glu (NM_001425327.1); c.3991A>G, p.Lys1331Glu (NM_001425328.1); c.3856A>G, p.Lys1286Glu (NM_001425329.1); c.3817A>G, p.Lys1273Glu (NM_001425332.1); short protein forms K1399E, K1383E, K1273E, K1286E, K1331E, K1332E, K1392E.
Identifiers: ClinVar variation 571719 (VCV000571719.13), dbSNP rs772026557, ClinGen allele CA967351.
Genomic context (GRCh38, chr1:99,915,422, plus strand): 5'-TGTATATTTGTTTTTGGCATTCACTAGGCCCCTGAGCTCTTTACTACAGAAAAAGCATGG[A>G]AAGCTTTGGAGATTGCAGAAAAAAAATTGCTTGGTCCCCTTGGCATGAAAACTTTAGATC-3'
Protein context (NP_000633.2, residues 1389-1409): PELFTTEKAW[Lys1399Glu]ALEIAEKKLL